The following is an entry in ClinVar:

ClinVar aggregate classification (germline): Uncertain significance (1 of 4 stars; one submission).

Allele frequency attached by ClinVar (database versions not stated): gnomAD exomes below 0.00001.
gnomAD v4.1: 2 of 1,613,798 alleles (0.00012%); highest among the groups gnomAD compares: Non-Finnish European, 0.00017%; no homozygotes.

Submission:

Ambry Genetics
Classification: Uncertain significance. Last evaluated: 2023-02-12. Review status: criteria provided, single submitter. Criteria: Ambry Variant Classification Scheme 2023. Collection method: clinical testing. Allele origin: germline.
Comment: The p.P1739R variant (also known as c.5216C>G), located in coding exon 16 of the POLQ gene, results from a C to G substitution at nucleotide position 5216. The proline at codon 1739 is replaced by arginine, an amino acid with dissimilar properties. This amino acid position is conserved. In addition, this alteration is predicted to be tolerated by in silico analysis. Since supporting evidence is limited at this time, the clinical significance of this alteration remains unclear.

NM_199420.4(POLQ):c.5216C>G (p.Pro1739Arg)

Gene: POLQ (DNA polymerase theta; minus strand). Cytogenetic location: 3q13.33.
Variant type: single nucleotide variant.
Coding change: c.5216C>G on transcript NM_199420.4 (MANE Select); coding-DNA position 5216, C replaced by G.
Protein change: p.Pro1739Arg; replaces proline 1739 with arginine.
Molecular consequence: missense variant.
Genome position (GRCh38, 1-based): chr3:121,487,715, G>C on the plus strand (C>G on the coding strand, the complement: POLQ is on the minus strand). VCF-style: chr3-121487715-G-C. GRCh37 (hg19) VCF-style: chr3-121206562-G-C.
Other names: short protein forms P1739R.
Identifiers: ClinVar variation 2449007 (VCV002449007.2), dbSNP rs2048024490, ClinGen allele CA354090898.
Genomic context (GRCh38, chr3:121,487,715, plus strand): 5'-GGGTTTACAGGTGTTTCAAGAATCCCTGGAAATGTCAGCTTAGAAGCAGATGTTGGAATG[G>C]GTGTAGGAGGAATGAGACCATTATCATCAACTATATTACTTTCTTTACGAGGTAAGAGGG-3'
Protein context (NP_955452.3, residues 1729-1749): VDDNGLIPPT[Pro1739Arg]IPTSASKLTF